The following is an entry in ClinVar:

NM_000138.5(FBN1):c.3341T>C (p.Ile1114Thr)

Gene: FBN1 (fibrillin 1; minus strand). Cytogenetic location: 15q21.1.
Variant type: single nucleotide variant.
Coding change: c.3341T>C on transcript NM_000138.5 (MANE Select); coding-DNA position 3341, T replaced by C.
Protein change: p.Ile1114Thr; replaces isoleucine 1114 with threonine.
Molecular consequence: missense variant.
Genome position (GRCh38, 1-based): chr15:48,487,434, A>G on the plus strand (T>C on the coding strand, the complement: FBN1 is on the minus strand). VCF-style: chr15-48487434-A-G. GRCh37 (hg19) VCF-style: chr15-48779631-A-G.
Other names: short protein forms I1114T.
Identifiers: ClinVar variation 927858 (VCV000927858.5), dbSNP rs771972230, ClinGen allele CA269531275.
Genomic context (GRCh38, chr15:48,487,434, plus strand): 5'-CCCTCTGTGTTATGGCAAACACCACCTCGGCATAGGAGAGGATCTCTCTGACACTCATCA[A>G]TATCTGCAAAATGGAAATGACCATGTTAAAGGTGGGGGCCTCATCTCCTCCACCAGACCA-3'
Protein context (NP_000129.3, residues 1104-1124): GFMMMKNCMD[Ile1114Thr]DECQRDPLLC

ClinVar aggregate classification (germline): Uncertain significance (1 of 4 stars; one submission).

Conditions:
Familial thoracic aortic aneurysm and aortic dissection (TAAD). Also called: Thoracic aortic aneurysms and dissections. Identifiers: Orphanet 91387, MedGen C4707243, MONDO:0019625.

Allele frequency attached by ClinVar (database versions not stated): gnomAD exomes below 0.00001.
gnomAD v4.1: 2 of 1,613,940 alleles (0.00012%); highest among the groups gnomAD compares: South Asian, 0.0011%; no homozygotes.

Submission:

Color Diagnostics, LLC DBA Color Health
Classification: Uncertain significance for Familial thoracic aortic aneurysm and aortic dissection. Last evaluated: 2023-12-04. Review status: criteria provided, single submitter. Criteria: ACMG Guidelines, 2015. Collection method: clinical testing. Allele origin: germline.
Comment: Variant of Uncertain Significance due to insufficient evidence: This missense variant is located in the calcium-binding EGF-like motif 17 of the FBN1 protein. Computational prediction tools and conservation analyses are inconclusive regarding the impact of this variant on the protein function. Computational splicing tools suggest that this variant may not impact RNA splicing. To our knowledge, functional assays have not been performed for this variant nor has this variant been reported in individuals affected with cardiovascular disorders in the literature. This variant is rare in the general population and has been identified in 0/277264 chromosomes by the Genome Aggregation Database (gnomAD). Available evidence is insufficient to determine the pathogenicity of this variant conclusively.